The following is an entry in ClinVar:

ClinVar aggregate classification (germline): Uncertain significance (1 of 4 stars; one submission).

gnomAD v4.1: 77 of 1,613,938 alleles (0.0048%); highest among the groups gnomAD compares: Non-Finnish European, 0.0064%; no homozygotes.

Submission:

Labcorp Genetics (formerly Invitae), Labcorp
Classification: Uncertain significance. Last evaluated: 2022-02-06. Review status: criteria provided, single submitter. Criteria: Invitae Variant Classification Sherloc (09022015). Collection method: clinical testing. Allele origin: germline.
Comment: This sequence change replaces arginine, which is basic and polar, with leucine, which is neutral and non-polar, at codon 339 of the DNAJC21 protein (p.Arg339Leu). This variant is present in population databases (rs142389949, gnomAD 0.002%). This variant has not been reported in the literature in individuals affected with DNAJC21-related conditions. Algorithms developed to predict the effect of missense changes on protein structure and function are either unavailable or do not agree on the potential impact of this missense change (SIFT: "Tolerated"; PolyPhen-2: "Possibly Damaging"; Align-GVGD: "Class C0"). In summary, the available evidence is currently insufficient to determine the role of this variant in disease. Therefore, it has been classified as a Variant of Uncertain Significance.

NM_001012339.3(DNAJC21):c.1016G>T (p.Arg339Leu)

Gene: DNAJC21 (DnaJ heat shock protein family (Hsp40) member C21; plus strand). Cytogenetic location: 5p13.2.
Variant type: single nucleotide variant.
Coding change: c.1016G>T on transcript NM_001012339.3 (MANE Select); coding-DNA position 1016, G replaced by T.
Protein change: p.Arg339Leu; replaces arginine 339 with leucine.
Molecular consequence: missense variant.
Genome position (GRCh38, 1-based): chr5:34,944,899, G>T. VCF-style: chr5-34944899-G-T. GRCh37 (hg19) VCF-style: chr5-34945004-G-T.
Other names: c.1016G>T, p.Arg339Leu (NM_001348420.2, NM_194283.4); short protein forms R339L.
Identifiers: ClinVar variation 1948022 (VCV001948022.2), dbSNP rs142389949, ClinGen allele CA3228681.